The following is an entry in ClinVar:

ClinVar aggregate classification (germline): Likely pathogenic (1 of 4 stars; one submission).

Conditions:
Diffuse cerebral and cerebellar atrophy - intractable seizures - progressive microcephaly syndrome. Also called: Microcephaly, progressive, with seizures and cerebral and cerebellar atrophy. Identifiers: Orphanet 404437, MedGen C4014239, MONDO:0014335, OMIM 615760.

Submission:

Juno Genomics, Hangzhou Juno Genomics, Inc
Classification: Likely pathogenic for Diffuse cerebral and cerebellar atrophy - intractable seizures - progressive microcephaly syndrome. Review status: criteria provided, single submitter. Criteria: ACMG Guidelines, 2015. Collection method: clinical testing. Allele origin: germline.
Comment: Null variant in a gene where loss of function (LOF) is a known mechanism of disease.;Absent from controls (or at extremely low frequency if recessive) in Genome Aggregation Database.

NM_005051.3(QARS1):c.1957-2A>C

Gene: QARS1 (glutaminyl-tRNA synthetase 1; minus strand). Cytogenetic location: 3p21.31.
Variant type: single nucleotide variant.
Coding change: c.1957-2A>C on transcript NM_005051.3 (MANE Select); the canonical splice acceptor site of the intron before coding-DNA position 1957, A replaced by C.
Molecular consequence: splice acceptor variant.
Genome position (GRCh38, 1-based): chr3:49,098,482, T>G on the plus strand (A>C on the coding strand, the complement: QARS1 is on the minus strand). VCF-style: chr3-49098482-T-G. GRCh37 (hg19) VCF-style: chr3-49135915-T-G.
Other names: c.1924-2A>C (NM_001272073.2).
Identifiers: ClinVar variation 5006642 (VCV005006642.2).